The following continues an entry in ClinVar:

NM_031885.5(BBS2):c.823C>T (p.Arg275Ter)

Gene: BBS2. ClinVar aggregate classification (germline): Pathogenic/Likely pathogenic. Pathogenic (16); Likely pathogenic (1).

Submissions 15 to 18 of 18:

Women's Health and Genetics/Laboratory Corporation of America, LabCorp
Classification: Pathogenic for Bardet-Biedl syndrome 2. Last evaluated: 2018-06-25. Review status: criteria provided, single submitter. Criteria: LabCorp Variant Classification Summary - May 2015. Collection method: clinical testing. Allele origin: germline.
Comment: Variant summary: BBS2 c.823C>T (p.Arg275X) results in a premature termination codon, predicted to cause a truncation of the encoded protein or absence of the protein due to nonsense mediated decay, which are commonly known mechanisms for disease. One truncation downstream of this position has been classified as pathogenic by our laboratory (eg. c.1864C>T, p.Arg622X). The variant allele was found at a frequency of 0.0002 in 277510 control chromosomes (gnomAD and publications). This frequency is not significantly higher than expected for a pathogenic variant in BBS2 causing Bardet-Biedl Syndrome (0.0002 vs 0.00085), allowing no conclusion about variant significance. The variant, c.823C>T, has been reported in the literature in multiple individuals affected with Bardet-Biedl Syndrome (Katsanis_2001, Nishimura_2001, Badano_2003). These data indicate that the variant is very likely to be associated with disease. To our knowledge, no experimental evidence demonstrating an impact on protein function has been reported. Five clinical diagnostic laboratories have submitted clinical-significance assessments for this variant to ClinVar after 2014 without evidence for independent evaluation. All laboratories classified the variant as pathogenic. Based on the evidence outlined above, the variant was classified as pathogenic.

Illumina Laboratory Services, Illumina
Classification: Pathogenic for Bardet-Biedl syndrome 2. Last evaluated: 2017-04-28. Review status: criteria provided, single submitter. Criteria: ICSL Variant Classification Criteria 09 May 2019. Collection method: clinical testing. Allele origin: germline.
Comment: The BBS2 c.823C>T (p.Arg275Ter) variant is a stop-gained variant that is predicted to result in premature termination of the protein. The p.Arg275Ter variant has been reported in at least five studies in which it is found in at least nine patients with Bardet-Biedl syndrome including in six from four independent families in a homozygous state, in one in a compound heterozygous state, in one in a heterozygous state with a second missense variant where phase is unknown, and in one in a heterozygous state with two additional variants in the BBS1 gene (Katsanis et al. 2001; Nishimura et al. 2001; Badano et al. 2003; Chen et al. 2011; Janssen et al. 2011). The variant is also found in a heterozygous state in at least four unaffected family members (Katsanis et al. 2001; Badano et al. 2003). The p.Arg275Ter variant was absent from at least 312 control chromosomes but is reported at a frequency of 0.00076 in the European (Finnish) population of the Exome Aggregation Consortium. Based on the evidence and potential impact of stop-gained variants, the p.Arg275Ter variant is classified as pathogenic for Bardet-Biedl syndrome. This variant was observed by ICSL as part of a predisposition screen in an ostensibly healthy population.

Eurofins Ntd Llc (ga)
Classification: Pathogenic. Last evaluated: 2016-01-11. Review status: criteria provided, single submitter. Criteria: EGL Classification Definitions 2015. Collection method: clinical testing. Allele origin: germline. Observed: 2 variant alleles, 2 heterozygotes.

OMIM
Classification: Pathogenic for BARDET-BIEDL SYNDROME 2. Last evaluated: 2001-09-21. Review status: no assertion criteria provided. Collection method: literature only. Allele origin: germline. Not counted in ClinVar's aggregate classification.

Literature cited by the submitters: PubMed 11285252 (cited by 6 submitters); PubMed 20177705 (cited by Labcorp Genetics (formerly Invitae), Labcorp); PubMed 24608809 (cited by Labcorp Genetics (formerly Invitae), Labcorp); PubMed 26518167 (cited by Labcorp Genetics (formerly Invitae), Labcorp); PubMed 11567139 (cited by 7 submitters); PubMed 12837689 (cited by 3 submitters); PubMed 21052717 (cited by Labcorp Genetics (formerly Invitae), Labcorp and Illumina Laboratory Services, Illumina); PubMed 21642631 (cited by Labcorp Genetics (formerly Invitae), Labcorp and Illumina Laboratory Services, Illumina); PubMed 25525159 (cited by Institute of Human Genetics, Univ. Regensburg, Univ. Regensburg); PubMed 28502102 (cited by Institute of Human Genetics, Univ. Regensburg, Univ. Regensburg); PubMed 28387813 (cited by Institute of Human Genetics, Univ. Regensburg, Univ. Regensburg); PubMed 28559085 (cited by Institute of Human Genetics, Univ. Regensburg, Univ. Regensburg); PubMed 31589614 (cited by Institute of Human Genetics, Univ. Regensburg, Univ. Regensburg); PubMed 31964843 (cited by Institute of Human Genetics, Univ. Regensburg, Univ. Regensburg); PubMed 31429209 (cited by Institute of Human Genetics, Univ. Regensburg, Univ. Regensburg); PubMed 31980526 (cited by Institute of Human Genetics, Univ. Regensburg, Univ. Regensburg); PubMed 34670123 (cited by Institute of Human Genetics, Univ. Regensburg, Univ. Regensburg); PubMed 35112343 (cited by Institute of Human Genetics, Univ. Regensburg, Univ. Regensburg); PubMed 35835773 (cited by Institute of Human Genetics, Univ. Regensburg, Univ. Regensburg).